The following is an entry in ClinVar:

NM_004168.4(SDHA):c.801G>T (p.Thr267=)

Gene: SDHA (succinate dehydrogenase complex flavoprotein subunit A; plus strand). Cytogenetic location: 5p15.33.
Variant type: single nucleotide variant.
Coding change: c.801G>T on transcript NM_004168.4 (MANE Select); coding-DNA position 801, G replaced by T.
Protein change: p.Thr267=; no amino-acid change (threonine 267 retained).
Molecular consequence: synonymous variant.
Genome position (GRCh38, 1-based): chr5:230,906, G>T. VCF-style: chr5-230906-G-T. GRCh37 (hg19) VCF-style: chr5-231021-G-T.
Other names: c.657G>T, p.Thr219= (NM_001294332.2); c.801G>T, p.Thr267= (NM_001330758.2).
Identifiers: ClinVar variation 3904515 (VCV003904515.1).
Genomic context (GRCh38, chr5:230,906, plus strand): 5'-TGTGCAGTCACTGCTCTCTATTGTTTCCAGAGGCTACGGGCGCACCTACTTCAGCTGCAC[G>T]TCTGCCCACACCAGCACTGGCGACGGCACGGCCATGATCACCAGGGCAGGCCTTCCTTGC-3'
Protein context (NP_004159.2, residues 257-277): GGYGRTYFSC[Thr267=]SAHTSTGDGT

ClinVar aggregate classification (germline): Benign (1 of 4 stars; one submission).

Conditions:
Pheochromocytoma/paraganglioma syndrome 5. Also called: Paragangliomas 5; SDHA-Related Hereditary Paraganglioma-Pheochromocytoma Syndrome. Identifiers: Orphanet 29072, MedGen C3279992, MONDO:0013602, OMIM 614165.

Submission:

Myriad Genetics, Inc.
Classification: Benign for Pheochromocytoma/paraganglioma syndrome 5. Last evaluated: 2025-03-03. Review status: criteria provided, single submitter. Criteria: Myriad Autosomal Dominant, Autosomal Recessive and X-Linked Classification Criteria (2023). Collection method: clinical testing. Allele origin: unknown.
Comment: This variant is considered benign. This variant is a silent/synonymous amino acid change and it is not expected to impact splicing.